The following is an entry in ClinVar:

ClinVar aggregate classification (germline): Pathogenic (1 of 4 stars; one submission).

Conditions:
Cerebral cavernous malformation (CCM). Also called: Cerebral cavernous hemangioma (type); Cerebral cavernous malformations; CAVERNOUS ANGIOMA, FAMILIAL; CAVERNOUS ANGIOMATOUS MALFORMATIONS; CEREBRAL CAPILLARY MALFORMATIONS; Cavernous Hemangioma of Brain. Identifiers: Orphanet 221061, MedGen C2919945, MONDO:0000820, OMIM 116860, HP:0033522.

Submission:

Labcorp Genetics (formerly Invitae), Labcorp
Classification: Pathogenic for Cerebral cavernous malformation. Last evaluated: 2019-02-04. Review status: criteria provided, single submitter. Criteria: Invitae Variant Classification Sherloc (09022015). Collection method: clinical testing. Allele origin: germline.
Comment: For these reasons, this variant has been classified as Pathogenic. Loss-of-function variants in KRIT1 are known to be pathogenic (PMID: 10508515, 11222804, 12404106, 24689081). This variant is not present in population databases (ExAC no frequency). This sequence change creates a premature translational stop signal (p.Trp464*) in the KRIT1 gene. It is expected to result in an absent or disrupted protein product. This variant has not been reported in the literature in individuals with a KRIT1-related disease. However, a different variant (c.1391G>A) giving rise to the same protein effect observed here (p.Trp464*) has been observed in an individual affected with cerebral cavernous malformations (PMID: 12404106).

Literature cited by the submitters: PubMed 10508515; PubMed 11222804; PubMed 12404106; PubMed 24689081.

NM_194454.3(KRIT1):c.1392G>A (p.Trp464Ter)

Gene: KRIT1 (KRIT1 ankyrin repeat containing; minus strand). Cytogenetic location: 7q21.2.
Variant type: single nucleotide variant.
Coding change: c.1392G>A on transcript NM_194454.3 (MANE Select); coding-DNA position 1392, G replaced by A.
Protein change: p.Trp464Ter; replaces tryptophan 464 with a stop codon.
Molecular consequence: nonsense.
Genome position (GRCh38, 1-based): chr7:92,222,841, C>T on the plus strand (G>A on the coding strand, the complement: KRIT1 is on the minus strand). VCF-style: chr7-92222841-C-T. GRCh37 (hg19) VCF-style: chr7-91852155-C-T.
Other names: c.1248G>A, p.Trp416Ter (NM_001013406.2, NM_001350669.1, NM_001350670.1); c.678G>A, p.Trp226Ter (NM_001350671.1); c.1392G>A, p.Trp464Ter (NM_001350672.1, NM_001350673.1, NM_001350674.1 and 26 more transcripts); short protein forms W416*, W464*, W226*.
Identifiers: ClinVar variation 846184 (VCV000846184.10), dbSNP rs997111087, ClinGen allele CA368147016.